The following is an entry in ClinVar:

NM_001009944.3(PKD1):c.2143G>T (p.Val715Phe)

Gene: PKD1 (polycystin 1, transient receptor potential channel interacting; minus strand). Cytogenetic location: 16p13.3.
Variant type: single nucleotide variant.
Coding change: c.2143G>T on transcript NM_001009944.3 (MANE Select); coding-DNA position 2143, G replaced by T.
Protein change: p.Val715Phe; replaces valine 715 with phenylalanine.
Molecular consequence: missense variant.
Genome position (GRCh38, 1-based): chr16:2,114,880, C>A on the plus strand (G>T on the coding strand, the complement: PKD1 is on the minus strand). VCF-style: chr16-2114880-C-A. GRCh37 (hg19) VCF-style: chr16-2164881-C-A.
Other names: c.2143G>T, p.Val715Phe (NM_000296.4); short protein forms V715F.
Identifiers: ClinVar variation 2662626 (VCV002662626.4), dbSNP rs1264766449, ClinGen allele CA394389284.

ClinVar aggregate classification (germline): Uncertain significance. Review status: criteria provided, multiple submitters, no conflicts (2 of 4 stars). 3 submissions from 3 submitters: Uncertain significance (3). Last evaluated 2025-04-08.

Conditions:
Polycystic kidney disease, adult type (PKD1). Also called: Polycystic Kidney Disease 1, Autosomal Dominant; Polycystic kidney disease 1; Polycystic kidney disease 1, severe; POLYCYSTIC KIDNEY DISEASE 1 WITH OR WITHOUT POLYCYSTIC LIVER DISEASE; POLYCYSTIC KIDNEY DISEASE, ADULT, TYPE I; Polycystic Kidney, Autosomal Dominant. Identifiers: MedGen C3149841, MONDO:0008263, OMIM 173900.

Submissions (3):

Women's Health and Genetics/Laboratory Corporation of America, LabCorp
Classification: Uncertain significance. Last evaluated: 2025-04-08. Review status: criteria provided, single submitter. Criteria: LabCorp Variant Classification Summary - May 2015. Collection method: clinical testing. Allele origin: germline.
Comment: Variant summary: PKD1 c.2143G>T (p.Val715Phe) results in a non-conservative amino acid change in the encoded protein sequence. Four of five in-silico tools predict a benign effect of the variant on protein function. The variant was absent in 119776 control chromosomes. The available data on variant occurrences in the general population are insufficient to allow any conclusion about variant significance. c.2143G>T has been reported in the literature in an individual from a Polycystic Kidney Disease cohort (Rossetti_2007). This report does not provide unequivocal conclusions about association of the variant with PKD1-Biallelic Autosomal Recessive Polycystic Kidney Disease. To our knowledge, no experimental evidence demonstrating an impact on protein function has been reported. The following publication has been ascertained in the context of this evaluation (PMID: 17582161). ClinVar contains an entry for this variant (Variation ID: 2662626). Based on the evidence outlined above, the variant was classified as uncertain significance.

Fulgent Genetics
Classification: Uncertain significance for Polycystic kidney disease, adult type. Last evaluated: 2024-04-26. Review status: criteria provided, single submitter. Criteria: ACMG Guidelines, 2015. Collection method: clinical testing. Allele origin: germline.

GeneDx
Classification: Uncertain significance. Last evaluated: 2023-04-14. Review status: criteria provided, single submitter. Criteria: GeneDx Variant Classification Process June 2021. Collection method: clinical testing. Allele origin: germline. Affected: yes.
Comment: Reported as a polymorphism in a patient with polycystic kidney disease in published literature (Rossetti et al., 2007); this patient was noted to have a second variant but no molecular information provided; Not observed at significant frequency in large population cohorts (gnomAD); In silico analysis supports that this missense variant does not alter protein structure/function; In silico analysis suggests this variant may impact gene splicing. In the absence of RNA/functional studies, the actual effect of this sequence change is unknown.; This variant is associated with the following publications: (PMID: 17582161)

Literature cited by the submitters: PubMed 17582161 (cited by Women's Health and Genetics/Laboratory Corporation of America, LabCorp).